The following is an entry in ClinVar:

NM_005188.4(CBL):c.266C>G (p.Pro89Arg)

Gene: CBL (Cbl proto-oncogene; plus strand). Cytogenetic location: 11q23.3.
Variant type: single nucleotide variant.
Coding change: c.266C>G on transcript NM_005188.4 (MANE Select); coding-DNA position 266, C replaced by G.
Protein change: p.Pro89Arg; replaces proline 89 with arginine.
Molecular consequence: missense variant.
Genome position (GRCh38, 1-based): chr11:119,232,518, C>G. VCF-style: chr11-119232518-C-G. GRCh37 (hg19) VCF-style: chr11-119103228-C-G.
Other names: short protein forms P89R.
Identifiers: ClinVar variation 2567304 (VCV002567304.4), dbSNP rs2496865865, ClinGen allele CA382894484.

ClinVar aggregate classification (germline): Uncertain significance. Review status: criteria provided, multiple submitters, no conflicts (2 of 4 stars). 2 submissions from 2 submitters: Uncertain significance (2). Last evaluated 2024-08-08.

Conditions:
RASopathy. Also called: Noonan spectrum disorder; rasopathies. Identifiers: Orphanet 536391, MedGen C5555857, MONDO:0021060.
Cardiovascular phenotype. Identifiers: MedGen CN230736.

Submissions (2):

Labcorp Genetics (formerly Invitae), Labcorp
Classification: Uncertain significance for RASopathy. Last evaluated: 2024-08-08. Review status: criteria provided, single submitter. Criteria: Invitae Variant Classification Sherloc (09022015). Collection method: clinical testing. Allele origin: germline.
Comment: This sequence change replaces proline, which is neutral and non-polar, with arginine, which is basic and polar, at codon 89 of the CBL protein (p.Pro89Arg). This variant is not present in population databases (gnomAD no frequency). This variant has not been reported in the literature in individuals affected with CBL-related conditions. ClinVar contains an entry for this variant (Variation ID: 2567304). Advanced modeling of protein sequence and biophysical properties (such as structural, functional, and spatial information, amino acid conservation, physicochemical variation, residue mobility, and thermodynamic stability) performed at Invitae indicates that this missense variant is expected to disrupt CBL protein function with a positive predictive value of 95%. In summary, the available evidence is currently insufficient to determine the role of this variant in disease. Therefore, it has been classified as a Variant of Uncertain Significance.

Ambry Genetics
Classification: Uncertain significance for Cardiovascular phenotype. Last evaluated: 2023-05-21. Review status: criteria provided, single submitter. Criteria: Ambry Variant Classification Scheme 2023. Collection method: clinical testing. Allele origin: germline.
Comment: The p.P89R variant (also known as c.266C>G), located in coding exon 2 of the CBL gene, results from a C to G substitution at nucleotide position 266. The proline at codon 89 is replaced by arginine, an amino acid with dissimilar properties. This amino acid position is conserved. In addition, this alteration is predicted to be deleterious by in silico analysis. Since supporting evidence is limited at this time, the clinical significance of this alteration remains unclear.